The following is an entry in ClinVar:

NM_000030.3(AGXT):c.508G>C (p.Gly170Arg)

Gene: AGXT (alanine--glyoxylate aminotransferase; plus strand). Cytogenetic location: 2q37.3.
Variant type: single nucleotide variant.
Coding change: c.508G>C on transcript NM_000030.3 (MANE Select); coding-DNA position 508, G replaced by C.
Protein change: p.Gly170Arg; replaces glycine 170 with arginine.
Molecular consequence: missense variant.
Genome position (GRCh38, 1-based): chr2:240,871,433, G>C. VCF-style: chr2-240871433-G-C. GRCh37 (hg19) VCF-style: chr2-241810850-G-C.
Other names: short protein forms G170R.
Identifiers: ClinVar variation 2710435 (VCV002710435.5), dbSNP rs121908529, ClinGen allele CA68178405.

ClinVar aggregate classification (germline): Pathogenic/Likely pathogenic. Review status: criteria provided, multiple submitters, no conflicts (2 of 4 stars). 2 submissions from 2 submitters: Pathogenic (1); Likely pathogenic (1). Last evaluated 2024-06-20.

Conditions:
Primary hyperoxaluria. Identifiers: Orphanet 416, MedGen C0020501, MONDO:0002474.

Submissions (2):

Women's Health and Genetics/Laboratory Corporation of America, LabCorp
Classification: Likely pathogenic for Primary hyperoxaluria. Last evaluated: 2024-06-20. Review status: criteria provided, single submitter. Criteria: LabCorp Variant Classification Summary - May 2015. Collection method: clinical testing. Allele origin: germline.
Comment: Variant summary: AGXT c.508G>C (p.Gly170Arg) results in a non-conservative amino acid change located in the Aminotransferase class V domain (IPR000192) of the encoded protein sequence. Five of five in-silico tools predict a damaging effect of the variant on protein function. The variant was absent in 210718 control chromosomes. To our knowledge, no occurrence of c.508G>C in individuals affected with Primary Hyperoxaluria Type 1 have been reported. A different variant resulting in the same amino acid consequence has been classified as pathogenic by our lab (c.508G>A), supporting the pathogenicity of this variant. ClinVar contains an entry for this variant (Variation ID: 2710435). Based on the evidence outlined above, the variant was classified as likely pathogenic.

Labcorp Genetics (formerly Invitae), Labcorp
Classification: Pathogenic. Last evaluated: 2024-01-20. Review status: criteria provided, single submitter. Criteria: Invitae Variant Classification Sherloc (09022015). Collection method: clinical testing. Allele origin: germline.
Comment: This sequence change replaces glycine, which is neutral and non-polar, with arginine, which is basic and polar, at codon 170 of the AGXT protein (p.Gly170Arg). This variant is not present in population databases (gnomAD no frequency). This missense change has been observed in individual(s) with primary hyperoxaluria (PMID: 11708860, 15356974, 15840016, 20016466, 24988064). In at least one individual the data is consistent with being in trans (on the opposite chromosome) from a pathogenic variant. Advanced modeling of protein sequence and biophysical properties (such as structural, functional, and spatial information, amino acid conservation, physicochemical variation, residue mobility, and thermodynamic stability) has been performed at Invitae for this missense variant, however the output from this modeling did not meet the statistical confidence thresholds required to predict the impact of this variant on AGXT protein function. Experimental studies have shown that this missense change affects AGXT function (PMID: 10960483, 17110443, 23229545). For these reasons, this variant has been classified as Pathogenic.

Literature cited by the submitters: PubMed 11708860 (cited by Labcorp Genetics (formerly Invitae), Labcorp); PubMed 15356974 (cited by Labcorp Genetics (formerly Invitae), Labcorp); PubMed 15840016 (cited by Labcorp Genetics (formerly Invitae), Labcorp); PubMed 20016466 (cited by Labcorp Genetics (formerly Invitae), Labcorp); PubMed 24988064 (cited by Labcorp Genetics (formerly Invitae), Labcorp); PubMed 10960483 (cited by Labcorp Genetics (formerly Invitae), Labcorp); PubMed 17110443 (cited by Labcorp Genetics (formerly Invitae), Labcorp); PubMed 23229545 (cited by Labcorp Genetics (formerly Invitae), Labcorp).